The following is an entry in ClinVar:

NM_005422.4(TECTA):c.3704A>G (p.Asn1235Ser)

Genes: TBCEL-TECTA (TBCEL-TECTA readthrough; plus strand), TECTA (tectorin alpha; plus strand). Cytogenetic location: 11q23.3.
Variant type: single nucleotide variant.
Coding change: c.3704A>G on transcript NM_005422.4 (MANE Select); coding-DNA position 3704, A replaced by G.
Protein change: p.Asn1235Ser; replaces asparagine 1235 with serine.
Molecular consequence: missense variant.
Genome position (GRCh38, 1-based): chr11:121,145,715, A>G. VCF-style: chr11-121145715-A-G. GRCh37 (hg19) VCF-style: chr11-121016424-A-G.
Other names: c.4661A>G, p.Asn1554Ser (NM_001378761.1); short protein forms N1235S, N1554S.
Identifiers: ClinVar variation 1206421 (VCV001206421.11), dbSNP rs200852252, ClinGen allele CA6327273.
Genomic context (GRCh38, chr11:121,145,715, plus strand): 5'-TGAAGGTTGTATATGACTGGAAGACCTTCCTGTCCATCACAGTCCCTCGGAGCATGCAGA[A>G]CAGCACCTATGGTCTGTGTGGCCGCTACAACGGCAACCCTGATGATGACCTGGAGATGCC-3'
Protein context (NP_005413.2, residues 1225-1245): LSITVPRSMQ[Asn1235Ser]STYGLCGRYN

ClinVar aggregate classification (germline): Conflicting classifications of pathogenicity. Review status: criteria provided, conflicting classifications (1 of 4 stars). 5 submissions from 5 submitters: Uncertain significance (4); Benign (1). Last evaluated 2026-01-14.

Conditions:
TECTA-related disorder. Also called: TECTA-related condition.
Inborn genetic diseases. Identifiers: MedGen C0950123, MeSH D030342.

Allele frequency attached by ClinVar (database versions not stated): gnomAD exomes 0.00002 and 0.00006; ExAC 0.00007; ESP Exome Variant Server 0.00015; gnomAD 0.00043 and 0.00046; TOPMed 0.00052; 1000 Genomes Project 30x 0.00062; 1000 Genomes Project 0.00080.
gnomAD v4.1: 103 of 1,614,230 alleles (0.0064%); highest among the groups gnomAD compares: African/African-American, 0.092%; no homozygotes.

Submissions (5):

GeneDx
Classification: Uncertain significance. Last evaluated: 2026-01-14. Review status: criteria provided, single submitter. Criteria: GeneDx Variant Classification Process June 2021. Collection method: clinical testing. Allele origin: germline. Affected: yes.
Comment: In silico analysis suggests that this missense variant does not alter protein structure/function; Has not been previously published as pathogenic or benign to our knowledge; This variant is associated with the following publications: (PMID: 21520338, 31554319, 9590290)

Labcorp Genetics (formerly Invitae), Labcorp
Classification: Benign. Last evaluated: 2025-12-01. Review status: criteria provided, single submitter. Criteria: Invitae Variant Classification Sherloc (09022015). Collection method: clinical testing. Allele origin: germline.

Women's Health and Genetics/Laboratory Corporation of America, LabCorp
Classification: Uncertain significance. Last evaluated: 2025-10-28. Review status: criteria provided, single submitter. Criteria: LabCorp Variant Classification Summary - May 2015. Collection method: clinical testing. Allele origin: germline.
Comment: Variant summary: TECTA c.3704A>G (p.Asn1235Ser) results in a conservative amino acid change in the encoded protein sequence. Algorithms developed to predict the effect of missense changes on protein structure and function are either unavailable or do not agree on the potential impact of this missense change. The variant allele was found at a frequency of 5.6e-05 in 251488 control chromosomes. This frequency is not significantly higher than estimated for disease-causing variants in TECTA, allowing no conclusion about variant significance. To our knowledge, no occurrence of c.3704A>G in individuals affected with TECTA-related conditions and no experimental evidence demonstrating its impact on protein function have been reported. ClinVar contains an entry for this variant (Variation ID: 1206421). Based on the evidence outlined above, the variant was classified as uncertain significance.

PreventionGenetics, part of Exact Sciences
Classification: Uncertain significance for TECTA-related condition. Last evaluated: 2025-03-19. Review status: criteria provided, single submitter. Criteria: ACMG Guidelines, 2015. Collection method: clinical testing. Allele origin: germline.
Comment: The TECTA c.3704A>G variant is predicted to result in the amino acid substitution p.Asn1235Ser. To our knowledge, this variant has not been reported in the literature. This variant is reported in 0.072% of alleles in individuals of African descent in gnomAD. Although we suspect that this variant may be benign, at this time, the clinical significance of this variant is uncertain due to the absence of conclusive functional and genetic evidence.

Ambry Genetics
Classification: Uncertain significance for Inborn genetic diseases. Last evaluated: 2024-01-08. Review status: criteria provided, single submitter. Criteria: Ambry Variant Classification Scheme 2023. Collection method: clinical testing. Allele origin: germline.